The following is an entry in ClinVar:

NM_007294.4(BRCA1):c.5074+265G>A

Gene: BRCA1 (BRCA1 DNA repair associated; minus strand). Cytogenetic location: 17q21.31.
Variant type: single nucleotide variant.
Coding change: c.5074+265G>A on transcript NM_007294.4 (MANE Select); 265 bases into the intron after coding-DNA position 5074, G replaced by A.
Molecular consequence: intron variant.
Genome position (GRCh38, 1-based): chr17:43,067,343, C>T on the plus strand (G>A on the coding strand, the complement: BRCA1 is on the minus strand). VCF-style: chr17-43067343-C-T. GRCh37 (hg19) VCF-style: chr17-41219360-C-T.
Other names: IVS 17+265G>A; c.4996+265G>A (NM_001407653.1, NM_001407655.1, NM_001407654.1); c.4735+265G>A (NM_001407958.1, NM_001407956.1, NM_001407957.1); c.4738+265G>A (NM_001407955.1, NM_001407951.1, NM_001407954.1 and 3 more transcripts); c.1549+265G>A (NM_001408493.1, NM_001408492.1); c.1552+265G>A (NM_001408490.1, NM_001408489.1, NM_001408482.1 and 5 more transcripts); c.4858+265G>A (NM_001407915.1, NM_001407916.1, NM_001407917.1 and 1 more transcripts); c.4861+265G>A (NM_001407895.1, NM_001407910.1, NM_001407904.1 and 12 more transcripts); and 72 more.
Identifiers: ClinVar variation 209346 (VCV000209346.3), dbSNP rs147144902, ClinGen allele CA276318.

ClinVar aggregate classification (germline): Benign. Review status: reviewed by expert panel (3 of 4 stars). 3 submissions from 3 submitters: Benign (1). 2 of the submissions do not count toward it. Last evaluated 2015-01-12.

Conditions:
Breast-ovarian cancer, familial, susceptibility to, 1 (BROVCA1). Also called: BRCA1 Hereditary Breast and Ovarian Cancer; OVARIAN CANCER, SUSCEPTIBILITY TO. Identifiers: Orphanet 145, MedGen C2676676, MONDO:0011450, OMIM 604370. Disease mechanism: loss of function.

Allele frequency attached by ClinVar (database versions not stated): TOPMed 0.00876; 1000 Genomes Project 30x 0.01046; 1000 Genomes Project 0.01118; gnomAD 0.01351 and 0.01395; gnomAD exomes 0.01897.
gnomAD v4.1: 5,670 of 340,932 alleles (1.7%); highest among the groups gnomAD compares: South Asian, 3.5%; 114 homozygotes.

Submissions (3):

Evidence-based Network for the Interpretation of Germline Mutant Alleles (ENIGMA)
Classification: Benign for Breast-ovarian cancer, familial 1. Last evaluated: 2015-01-12. Review status: reviewed by expert panel. Criteria: ENIGMA BRCA1/2 Classification Criteria (2015). Collection method: curation. Allele origin: germline.
Comment: Class 1 not pathogenic based on frequency >1% in an outbred sampleset. Frequency 0.02243 (European), derived from 1000 genomes (2012-04-30).

GeneDx
Classification: Benign. Last evaluated: 2018-06-16. Review status: criteria provided, single submitter. Criteria: GeneDx Variant Classification (06012015). Collection method: clinical testing. Allele origin: germline. Affected: yes. Not counted in ClinVar's aggregate classification.
Comment: This variant is considered likely benign or benign based on one or more of the following criteria: it is a conservative change, it occurs at a poorly conserved position in the protein, it is predicted to be benign by multiple in silico algorithms, and/or has population frequency not consistent with disease.

Breakthrough Genomics
Classification: Benign. Review status: criteria provided, single submitter. Criteria: ACMG Guidelines, 2015. Collection method: not provided. Allele origin: germline. Inheritance: Autosomal recessive inheritance. Affected: yes. Not counted in ClinVar's aggregate classification.